The following is an entry in ClinVar:

ClinVar aggregate classification (germline): Uncertain significance (1 of 4 stars; one submission).

Conditions:
Inborn genetic diseases. Identifiers: MedGen C0950123, MeSH D030342.

gnomAD v4.1: 2 of 1,613,200 alleles (0.00012%); highest among the groups gnomAD compares: East Asian, 0.0045%; no homozygotes.

Submission:

Ambry Genetics
Classification: Uncertain significance for Inborn genetic diseases. Last evaluated: 2024-12-07. Review status: criteria provided, single submitter. Criteria: Ambry Variant Classification Scheme 2023. Collection method: clinical testing. Allele origin: germline.
Comment: The p.S307R variant (also known as c.921C>A), located in coding exon 6 of the G6PC3 gene, results from a C to A substitution at nucleotide position 921. The serine at codon 307 is replaced by arginine, an amino acid with dissimilar properties. This amino acid position is conserved. In addition, the in silico prediction for this alteration is inconclusive. Based on the available evidence, the clinical significance of this variant remains unclear.

NM_138387.4(G6PC3):c.921C>A (p.Ser307Arg)

Gene: G6PC3 (glucose-6-phosphatase catalytic subunit 3; plus strand). Cytogenetic location: 17q21.31.
Variant type: single nucleotide variant.
Coding change: c.921C>A on transcript NM_138387.4 (MANE Select); coding-DNA position 921, C replaced by A.
Protein change: p.Ser307Arg; replaces serine 307 with arginine.
Molecular consequence: missense variant. On other transcripts: 3 prime UTR variant (1).
Genome position (GRCh38, 1-based): chr17:44,075,923, C>A. VCF-style: chr17-44075923-C-A. GRCh37 (hg19) VCF-style: chr17-42153291-C-A.
Other names: c.*214C>A (NM_001319945.2); c.576C>A, p.Ser192Arg (NM_001384165.1, NM_001384166.1, NM_001384167.1 and 1 more transcripts); short protein forms S307R, S192R.
Identifiers: ClinVar variation 3518077 (VCV003518077.1).
Genomic context (GRCh38, chr17:44,075,923, plus strand): 5'-TGTGCTGGCCATGGGGCTGCTGGGCCCCCTGGACTGGCTGGGCCACCCCCCTCAGATCAG[C>A]CTCTTCTACATTTTCAATTTCCTCAAGTACACCCTCTGGCCATGCCTAGTCCTGGCCCTC-3'
Protein context (NP_612396.1, residues 297-317): LDWLGHPPQI[Ser307Arg]LFYIFNFLKY